The following is an entry in ClinVar:

ClinVar aggregate classification (germline): Conflicting classifications of pathogenicity. Review status: criteria provided, conflicting classifications (1 of 4 stars). 9 submissions from 9 submitters: Uncertain significance (1); Likely benign (6). 2 of the submissions do not count toward it. Last evaluated 2026-09-01.

Conditions:
NOTCH1-related disorder. Also called: NOTCH1-related disorders; NOTCH1-related condition.
Adams-Oliver syndrome 5 (AOS5). Identifiers: Orphanet 974, MedGen C4014970, MONDO:0014459, OMIM 616028.
Familial thoracic aortic aneurysm and aortic dissection (TAAD). Also called: Thoracic aortic aneurysms and dissections. Identifiers: Orphanet 91387, MedGen C4707243, MONDO:0019625.
Aortic valve disease 1 (AOVD1). Identifiers: MedGen C3887892, MONDO:0024523, OMIM 109730.

Allele frequency attached by ClinVar (database versions not stated): gnomAD 0.00034 and 0.00037; ExAC 0.00039; gnomAD exomes 0.00054 and 0.00015; TOPMed 0.00055; 1000 Genomes Project 30x 0.00094; 1000 Genomes Project 0.00100.

Submissions (9):

CeGaT Center for Human Genetics Tuebingen
Classification: Likely benign. Last evaluated: 2026-09-01. Review status: criteria provided, single submitter. Criteria: CeGaT Center For Human Genetics Tuebingen Variant Classification Criteria Version 2. Collection method: clinical testing. Allele origin: germline. Affected: yes. Observed: 2 variant alleles.
Comment: NOTCH1: BS1

Labcorp Genetics (formerly Invitae), Labcorp
Classification: Likely benign for Adams-Oliver syndrome 5. Last evaluated: 2025-12-22. Review status: criteria provided, single submitter. Criteria: Invitae Variant Classification Sherloc (09022015). Collection method: clinical testing. Allele origin: germline.

Blueprint Genetics
Classification: Likely benign. Last evaluated: 2024-06-10. Review status: criteria provided, single submitter. Criteria: ACMG Guidelines, 2015. Collection method: clinical testing. Allele origin: germline.

Women's Health and Genetics/Laboratory Corporation of America, LabCorp
Classification: Likely benign. Last evaluated: 2023-07-21. Review status: criteria provided, single submitter. Criteria: LabCorp Variant Classification Summary - May 2015. Collection method: clinical testing. Allele origin: germline.

GeneDx
Classification: Likely benign. Last evaluated: 2020-06-16. Review status: criteria provided, single submitter. Criteria: GeneDx Variant Classification Process June 2021. Collection method: clinical testing. Allele origin: germline. Affected: yes.

New York Genome Center
Classification: Uncertain significance for Aortic valve disease 1. Last evaluated: 2019-05-31. Review status: criteria provided, single submitter. Criteria: NYGC Assertion Criteria 2020. Collection method: clinical testing. Allele origin: germline. Observed: 1 heterozygote. Study: CSER-NYCKidSeq.

Ambry Genetics
Classification: Likely benign for Familial thoracic aortic aneurysm and aortic dissection. Last evaluated: 2018-05-01. Review status: criteria provided, single submitter. Criteria: Ambry Variant Classification Scheme 2023. Collection method: clinical testing. Allele origin: germline.

PreventionGenetics, part of Exact Sciences
Classification: Likely benign for NOTCH1-related condition. Last evaluated: 2019-12-09. Review status: no assertion criteria provided. Collection method: clinical testing. Allele origin: germline. Not counted in ClinVar's aggregate classification.
Comment: This variant is classified as likely benign based on ACMG/AMP sequence variant interpretation guidelines (Richards et al. 2015 PMID: 25741868, with internal and published modifications).

ITMI
No classification provided. Condition: AllHighlyPenetrant. Last evaluated: 2013-09-19. Review status: no classification provided. Collection method: reference population. Allele origin: germline. Not counted in ClinVar's aggregate classification.
Comment: Please see associated publication for description of ethnicities

Literature cited by the submitters: PubMed 24728327 (cited by ITMI).

NM_017617.5(NOTCH1):c.2495C>T (p.Pro832Leu)

Gene: NOTCH1 (notch receptor 1; minus strand). Cytogenetic location: 9q34.3.
Variant type: single nucleotide variant.
Coding change: c.2495C>T on transcript NM_017617.5 (MANE Select); coding-DNA position 2495, C replaced by T.
Protein change: p.Pro832Leu; replaces proline 832 with leucine.
Molecular consequence: missense variant.
Genome position (GRCh38, 1-based): chr9:136,511,244, G>A on the plus strand (C>T on the coding strand, the complement: NOTCH1 is on the minus strand). VCF-style: chr9-136511244-G-A. GRCh37 (hg19) VCF-style: chr9-139405696-G-A.
Other names: c.2495C>T, p.Pro832Leu (LRG_1122t1); c.2495C>T (NM_017617.4); short protein forms P832L.
Identifiers: ClinVar variation 134918 (VCV000134918.30), dbSNP rs559917218, ClinGen allele CA161163.
Genomic context (GRCh38, chr9:136,511,244, plus strand): 5'-CTCTCATAGTCCTCGGATTGCCTGCACTCCCCGCCGTTTCTGCAGGGGCTGGGGGCACAC[G>A]GGGCCAGCACCACCTCACACGTGGCACCTGCGGGAAGGAGACACACGTGACCCCGGGAGC-3'
Protein context (NP_060087.3, residues 822-842): TGATCEVVLA[Pro832Leu]CAPSPCRNGG